The following is an entry in ClinVar:

NM_052867.4(NALCN):c.4905+6G>C

Gene: NALCN (sodium leak channel, non-selective; minus strand). Cytogenetic location: 13q32.3.
Variant type: single nucleotide variant.
Coding change: c.4905+6G>C on transcript NM_052867.4 (MANE Select); 6 bases into the intron after coding-DNA position 4905, G replaced by C.
Molecular consequence: intron variant.
Genome position (GRCh38, 1-based): chr13:101,059,812, C>G on the plus strand (G>C on the coding strand, the complement: NALCN is on the minus strand). VCF-style: chr13-101059812-C-G. GRCh37 (hg19) VCF-style: chr13-101712164-C-G.
Other names: c.4818+6G>C (NM_001350751.2, NM_001350750.2); c.4905+6G>C (NM_001350749.2); c.4992+6G>C (NM_001350748.2).
Identifiers: ClinVar variation 2892060 (VCV002892060.3), dbSNP rs1352711955, ClinGen allele CA611941014.

ClinVar aggregate classification (germline): Uncertain significance (1 of 4 stars; one submission).

Allele frequency attached by ClinVar (database versions not stated): gnomAD exomes 0.00002; TOPMed 0.00002; gnomAD 0.00004.
gnomAD v4.1: 37 of 1,613,668 alleles (0.0023%); highest among the groups gnomAD compares: Non-Finnish European, 0.003%; no homozygotes.

Submission:

Labcorp Genetics (formerly Invitae), Labcorp
Classification: Uncertain significance. Last evaluated: 2023-09-30. Review status: criteria provided, single submitter. Criteria: Invitae Variant Classification Sherloc (09022015). Collection method: clinical testing. Allele origin: germline.
Comment: In summary, the available evidence is currently insufficient to determine the role of this variant in disease. Therefore, it has been classified as a Variant of Uncertain Significance. Variants that disrupt the consensus splice site are a relatively common cause of aberrant splicing (PMID: 17576681, 9536098). Algorithms developed to predict the effect of sequence changes on RNA splicing suggest that this variant is not likely to affect RNA splicing. This variant has not been reported in the literature in individuals affected with NALCN-related conditions. This variant is present in population databases (no rsID available, gnomAD 0.002%). This sequence change falls in intron 42 of the NALCN gene. It does not directly change the encoded amino acid sequence of the NALCN protein. It affects a nucleotide within the consensus splice site.

Literature cited by the submitters: PubMed 17576681; PubMed 9536098.